The following is an entry in ClinVar:

NM_001943.5(DSG2):c.1831G>A (p.Gly611Arg)

Gene: DSG2 (desmoglein 2; plus strand). Cytogenetic location: 18q12.1.
Variant type: single nucleotide variant.
Coding change: c.1831G>A on transcript NM_001943.5 (MANE Select); coding-DNA position 1831, G replaced by A.
Protein change: p.Gly611Arg; replaces glycine 611 with arginine.
Molecular consequence: missense variant.
Genome position (GRCh38, 1-based): chr18:31,538,930, G>A. VCF-style: chr18-31538930-G-A. GRCh37 (hg19) VCF-style: chr18-29118893-G-A.
Other names: c.1831G>A (NM_001943.3); short protein forms G611R.
Identifiers: ClinVar variation 1015280 (VCV001015280.9), dbSNP rs779056577, ClinGen allele CA043839.

ClinVar aggregate classification (germline): Uncertain significance. Review status: criteria provided, multiple submitters, no conflicts (2 of 4 stars). 3 submissions from 3 submitters: Uncertain significance (3). Last evaluated 2025-12-01.

Conditions:
Cardiovascular phenotype. Identifiers: MedGen CN230736.
Cardiomyopathy (CMYO). Also called: Cardiomyopathies. Identifiers: Orphanet 167848, MedGen C0878544, MONDO:0004994, HP:0001638. Inheritance: Various modes of inheritance.
Arrhythmogenic right ventricular dysplasia 10. Also called: ARRHYTHMOGENIC RIGHT VENTRICULAR DYSPLASIA, FAMILIAL, 10; Arrhythmogenic Right Ventricular Dysplasia/Cardiomyopathy10; Arrhythmogenic right ventricular dysplasia/cardiomyopathy, type 10. Identifiers: MedGen C1857777, MONDO:0012434, OMIM 610193.

Allele frequency attached by ClinVar (database versions not stated): TOPMed below 0.00001; ExAC 0.00001; gnomAD exomes 0.00001.
gnomAD v4.1: 3 of 1,614,082 alleles (0.00019%); highest among the groups gnomAD compares: South Asian, 0.0022%; no homozygotes.

Submissions (3):

Labcorp Genetics (formerly Invitae), Labcorp
Classification: Uncertain significance for Arrhythmogenic right ventricular dysplasia 10. Last evaluated: 2025-12-01. Review status: criteria provided, single submitter. Criteria: Invitae Variant Classification Sherloc (09022015). Collection method: clinical testing. Allele origin: germline.
Comment: This sequence change replaces glycine, which is neutral and non-polar, with arginine, which is basic and polar, at codon 611 of the DSG2 protein (p.Gly611Arg). This variant is present in population databases (rs779056577, gnomAD 0.006%). This variant has not been reported in the literature in individuals affected with DSG2-related conditions. ClinVar contains an entry for this variant (Variation ID: 1015280). Invitae Evidence Modeling of protein sequence and biophysical properties (such as structural, functional, and spatial information, amino acid conservation, physicochemical variation, residue mobility, and thermodynamic stability) has been performed for this missense variant. However, the output from this modeling did not meet the statistical confidence thresholds required to predict the impact of this variant on DSG2 protein function. In summary, the available evidence is currently insufficient to determine the role of this variant in disease. Therefore, it has been classified as a Variant of Uncertain Significance.

Color Diagnostics, LLC DBA Color Health
Classification: Uncertain significance for Cardiomyopathy. Last evaluated: 2025-06-30. Review status: criteria provided, single submitter. Criteria: ACMG Guidelines, 2015. Collection method: clinical testing. Allele origin: germline.
Comment: This missense variant replaces glycine with arginine at codon 611 of the DSG2 protein. Computational prediction is inconclusive regarding the impact of this variant on protein structure and function. To our knowledge, functional studies have not been reported for this variant. This variant has not been reported in individuals affected with DSG2-related disorders in the literature. This variant has been identified in 2/249038 chromosomes in the general population by the Genome Aggregation Database (gnomAD). The available evidence is insufficient to determine the role of this variant in disease conclusively. Therefore, this variant is classified as a Variant of Uncertain Significance.

Ambry Genetics
Classification: Uncertain significance for Cardiovascular phenotype. Last evaluated: 2023-09-20. Review status: criteria provided, single submitter. Criteria: Ambry Variant Classification Scheme 2023. Collection method: clinical testing. Allele origin: germline.